The following is an entry in ClinVar:

ClinVar aggregate classification (germline): Benign (1 of 4 stars; one submission).

Conditions:
Familial cancer of breast. Also called: Hereditary breast cancer; BREAST CANCER, FAMILIAL; hereditary breast carcinoma. Identifiers: Orphanet 227535, MedGen C0346153, MONDO:0016419, OMIM 114480. Disease mechanism: loss of function.

Submission:

Myriad Genetics, Inc.
Classification: Benign for Familial cancer of breast. Last evaluated: 2024-10-01. Review status: criteria provided, single submitter. Criteria: Myriad Autosomal Dominant, Autosomal Recessive and X-Linked Classification Criteria (2023). Collection method: clinical testing. Allele origin: unknown.
Comment: This variant is considered benign. This variant is a silent/synonymous amino acid change and it is not expected to impact splicing.

NM_007194.4(CHEK2):c.273C>A (p.Ala91=)

Gene: CHEK2 (checkpoint kinase 2; minus strand). Cytogenetic location: 22q12.1.
Variant type: single nucleotide variant.
Coding change: c.273C>A on transcript NM_007194.4 (MANE Select); coding-DNA position 273, C replaced by A.
Protein change: p.Ala91=; no amino-acid change (alanine 91 retained).
Molecular consequence: synonymous variant.
Genome position (GRCh38, 1-based): chr22:28,734,449, G>T on the plus strand (C>A on the coding strand, the complement: CHEK2 is on the minus strand). VCF-style: chr22-28734449-G-T. GRCh37 (hg19) VCF-style: chr22-29130437-G-T.
Other names: c.273C>A, p.Ala91= (NM_001005735.3, NM_001349956.3, NM_145862.3); c.-505C>A (NM_001257387.3).
Identifiers: ClinVar variation 3773125 (VCV003773125.1).